The following is an entry in ClinVar:

NM_032043.3(BRIP1):c.205G>T (p.Gly69Trp)

Gene: BRIP1 (BRCA1 interacting DNA helicase 1; minus strand). Cytogenetic location: 17q23.2.
Variant type: single nucleotide variant.
Coding change: c.205G>T on transcript NM_032043.3 (MANE Select); coding-DNA position 205, G replaced by T.
Protein change: p.Gly69Trp; replaces glycine 69 with tryptophan.
Molecular consequence: missense variant.
Genome position (GRCh38, 1-based): chr17:61,859,796, C>A on the plus strand (G>T on the coding strand, the complement: BRIP1 is on the minus strand). VCF-style: chr17-61859796-C-A. GRCh37 (hg19) VCF-style: chr17-59937157-C-A.
Other names: short protein forms G69W.
Identifiers: ClinVar variation 1494163 (VCV001494163.9), dbSNP rs372581879, ClinGen allele CA400485642.

ClinVar aggregate classification (germline): Uncertain significance (1 of 4 stars; one submission).

Conditions:
Fanconi anemia complementation group J. Also called: BRIP1-Related Fanconi Anemia. Identifiers: Orphanet 84, MedGen C1836860, MONDO:0012187, OMIM 609054.
Familial cancer of breast. Also called: BREAST CANCER, FAMILIAL; Hereditary breast cancer; hereditary breast carcinoma. Identifiers: Orphanet 227535, MedGen C0346153, MONDO:0016419, OMIM 114480. Disease mechanism: loss of function.

Submission:

Labcorp Genetics (formerly Invitae), Labcorp
Classification: Uncertain significance for Familial cancer of breast; Fanconi anemia complementation group J. Last evaluated: 2020-11-13. Review status: criteria provided, single submitter. Criteria: Invitae Variant Classification Sherloc (09022015). Collection method: clinical testing. Allele origin: germline.
Comment: This sequence change replaces glycine with tryptophan at codon 69 of the BRIP1 protein (p.Gly69Trp). The glycine residue is weakly conserved and there is a large physicochemical difference between glycine and tryptophan. This variant also falls at the last nucleotide of exon 3, which is part of the consensus splice site for this exon. This variant is not present in population databases (ExAC no frequency). This variant has not been reported in the literature in individuals with BRIP1-related conditions. Algorithms developed to predict the effect of missense changes on protein structure and function are either unavailable or do not agree on the potential impact of this missense change (SIFT: "Deleterious"; PolyPhen-2: "Possibly Damaging"; Align-GVGD: "Class C0"). Nucleotide substitutions within the consensus splice site are a relatively common cause of aberrant splicing (PMID: 17576681, 9536098). Algorithms developed to predict the effect of sequence changes on RNA splicing suggest that this variant may disrupt the consensus splice site, but this prediction has not been confirmed by published transcriptional studies. In summary, the available evidence is currently insufficient to determine the role of this variant in disease. Therefore, it has been classified as a Variant of Uncertain Significance.

Literature cited by the submitters: PubMed 17576681; PubMed 9536098.